The following is an entry in ClinVar:

ClinVar aggregate classification (germline): Uncertain significance (1 of 4 stars; one submission).

Conditions:
Epileptic encephalopathy. Identifiers: MedGen C0543888, HP:0200134.

gnomAD v4.1: 6 of 1,611,960 alleles (0.00037%); highest among the groups gnomAD compares: Non-Finnish European, 0.00025%; no homozygotes.

Submission:

Labcorp Genetics (formerly Invitae), Labcorp
Classification: Uncertain significance for Epileptic encephalopathy. Last evaluated: 2024-12-08. Review status: criteria provided, single submitter. Criteria: Invitae Variant Classification Sherloc (09022015). Collection method: clinical testing. Allele origin: germline.
Comment: This sequence change replaces histidine, which is basic and polar, with arginine, which is basic and polar, at codon 1004 of the FASN protein (p.His1004Arg). This variant is present in population databases (rs771627947, gnomAD 0.01%). This variant has not been reported in the literature in individuals affected with FASN-related conditions. An algorithm developed to predict the effect of missense changes on protein structure and function outputs the following: PolyPhen-2: "Benign". The arginine amino acid residue is found in multiple mammalian species, which suggests that this missense change does not adversely affect protein function. In summary, the available evidence is currently insufficient to determine the role of this variant in disease. Therefore, it has been classified as a Variant of Uncertain Significance.

NM_004104.5(FASN):c.3011A>G (p.His1004Arg)

Gene: FASN (fatty acid synthase; minus strand). Cytogenetic location: 17q25.3.
Variant type: single nucleotide variant.
Coding change: c.3011A>G on transcript NM_004104.5 (MANE Select); coding-DNA position 3011, A replaced by G.
Protein change: p.His1004Arg; replaces histidine 1004 with arginine.
Molecular consequence: missense variant.
Genome position (GRCh38, 1-based): chr17:82,087,717, T>C on the plus strand (A>G on the coding strand, the complement: FASN is on the minus strand). VCF-style: chr17-82087717-T-C. GRCh37 (hg19) VCF-style: chr17-80045593-T-C.
Other names: short protein forms H1004R.
Identifiers: ClinVar variation 3676632 (VCV003676632.2).
Genomic context (GRCh38, chr17:82,087,717, plus strand): 5'-CTTGGGCAGCAGTGTAGTCAGTACCCACCTTCCAGGCTGGCCTCCAGGATGCCCTGGAAA[T>C]GAGGGCCGTAGTCGTAGCCACGCAGACGCAGCTCCTTGTAAACTTCAGCCTGGGCCAGGA-3'
Protein context (NP_004095.4, residues 994-1014): LRLRGYDYGP[His1004Arg]FQGILEASLE